The following is an entry in ClinVar:

ClinVar aggregate classification (germline): Uncertain significance (1 of 4 stars; one submission).

Conditions:
Inflammatory skin and bowel disease, neonatal, 1. Identifiers: Orphanet 294023, MedGen C3280501, MONDO:0013693, OMIM 614328.

Allele frequency attached by ClinVar (database versions not stated): gnomAD 0.00001; gnomAD exomes below 0.00001; ExAC 0.00001.
gnomAD v4.1: 6 of 1,614,018 alleles (0.00037%); highest among the groups gnomAD compares: African/African-American, 0.0013%; no homozygotes.

Submission:

Labcorp Genetics (formerly Invitae), Labcorp
Classification: Uncertain significance for Inflammatory skin and bowel disease, neonatal, 1. Last evaluated: 2021-06-03. Review status: criteria provided, single submitter. Criteria: Invitae Variant Classification Sherloc (09022015). Collection method: clinical testing. Allele origin: germline.
Comment: This variant has not been reported in the literature in individuals with ADAM17-related conditions. In summary, the available evidence is currently insufficient to determine the role of this variant in disease. Therefore, it has been classified as a Variant of Uncertain Significance. Algorithms developed to predict the effect of missense changes on protein structure and function (SIFT, PolyPhen-2, Align-GVGD) all suggest that this variant is likely to be tolerated, but these predictions have not been confirmed by published functional studies and their clinical significance is uncertain. This variant is present in population databases (rs753859098, ExAC 0.001%). This sequence change replaces glutamic acid with lysine at codon 774 of the ADAM17 protein (p.Glu774Lys). The glutamic acid residue is weakly conserved and there is a small physicochemical difference between glutamic acid and lysine.

NM_003183.6(ADAM17):c.2320G>A (p.Glu774Lys)

Genes: ADAM17 (ADAM metallopeptidase domain 17; minus strand), IAH1 (isoamyl acetate hydrolyzing esterase 1 (putative); plus strand). Cytogenetic location: 2p25.1.
Variant type: single nucleotide variant.
Coding change: c.2320G>A on transcript NM_003183.6 (MANE Select); coding-DNA position 2320, G replaced by A.
Protein change: p.Glu774Lys; replaces glutamic acid 774 with lysine.
Molecular consequence: missense variant.
Genome position (GRCh38, 1-based): chr2:9,490,332, C>T on the plus strand (G>A on the coding strand, the complement: ADAM17 is on the minus strand). VCF-style: chr2-9490332-C-T. GRCh37 (hg19) VCF-style: chr2-9630461-C-T.
Other names: short protein forms E774K.
Identifiers: ClinVar variation 853870 (VCV000853870.8), dbSNP rs753859098, ClinGen allele CA1523238.